The following is an entry in ClinVar:

NM_000053.4(ATP7B):c.3324C>T (p.Asn1108=)

Gene: ATP7B (ATPase copper transporting beta; minus strand). Cytogenetic location: 13q14.3.
Variant type: single nucleotide variant.
Coding change: c.3324C>T on transcript NM_000053.4 (MANE Select); coding-DNA position 3324, C replaced by T.
Protein change: p.Asn1108=; no amino-acid change (asparagine 1108 retained).
Molecular consequence: synonymous variant.
Genome position (GRCh38, 1-based): chr13:51,942,474, G>A on the plus strand (C>T on the coding strand, the complement: ATP7B is on the minus strand). VCF-style: chr13-51942474-G-A. GRCh37 (hg19) VCF-style: chr13-52516610-G-A.
Other names: p.Asn1108=; c.2703C>T, p.Asn901= (NM_001005918.3); c.2991C>T, p.Asn997= (NM_001243182.2); c.3090C>T, p.Asn1030= (NM_001330578.2); c.3072C>T, p.Asn1024= (NM_001330579.2).
Identifiers: ClinVar variation 157947 (VCV000157947.40), dbSNP rs372456815, ClinGen allele CA271175.
Genomic context (GRCh38, chr13:51,942,474, plus strand): 5'-ATTCAGGTGACTGGCCGGTGCACTCAAAGGGCGCTCACTGTGGGCCAGGATGCCTTCCAC[G>A]TTGCTGACTTTGCACCCAATTCCACAGCCTGGCACTGCCTGGAAGTCCGTGCAGTATCCC-3'
Protein context (NP_000044.2, residues 1098-1118): PGCGIGCKVS[Asn1108=]VEGILAHSER

ClinVar aggregate classification (germline): Conflicting classifications of pathogenicity. Review status: criteria provided, conflicting classifications (1 of 4 stars). 14 submissions from 14 submitters: Uncertain significance (1); Likely benign (10). 3 of the submissions do not count toward it. Last evaluated 2026-08-23.

Conditions:
ATP7B-related disorder. Also called: ATP7B-related condition.
Inborn genetic diseases. Identifiers: MedGen C0950123, MeSH D030342.
Wilson disease (WND). Also called: Wilson's disease. Identifiers: Orphanet 905, MedGen C0019202, MONDO:0010200, OMIM 277900. Disease mechanism: loss of function.

Allele frequency attached by ClinVar (database versions not stated): 1000 Genomes Project 0.00020; TOPMed 0.00023; ESP Exome Variant Server 0.00024; gnomAD 0.00027 and 0.00029; ExAC 0.00030; 1000 Genomes Project 30x 0.00031; gnomAD exomes 0.00035 and 0.00036.
gnomAD v4.1: 565 of 1,614,226 alleles (0.035%); highest among the groups gnomAD compares: Admixed American, 0.053%; no homozygotes.

Submissions (14):

PreventionGenetics, part of Exact Sciences
Classification: Likely benign for ATP7B-related condition. Last evaluated: 2026-08-23. Review status: criteria provided, single submitter. Criteria: ACMG Guidelines, 2015. Collection method: clinical testing. Allele origin: germline.
Comment: This variant is classified as likely benign based on ACMG/AMP sequence variant interpretation guidelines (Richards et al. 2015 PMID: 25741868, with internal and published modifications).

Labcorp Genetics (formerly Invitae), Labcorp
Classification: Likely benign for Wilson disease. Last evaluated: 2026-01-14. Review status: criteria provided, single submitter. Criteria: Invitae Variant Classification Sherloc (09022015). Collection method: clinical testing. Allele origin: germline.

Mayo Clinic Laboratories, Mayo Clinic
Classification: Likely benign. Last evaluated: 2025-09-24. Review status: criteria provided, single submitter. Criteria: ACMG Guidelines, 2015. Collection method: clinical testing. Allele origin: germline. Observed: 4 variant alleles.
Comment: BP5, BP7

Women's Health and Genetics/Laboratory Corporation of America, LabCorp
Classification: Likely benign. Last evaluated: 2025-06-02. Review status: criteria provided, single submitter. Criteria: LabCorp Variant Classification Summary - May 2015. Collection method: clinical testing. Allele origin: germline.

Blueprint Genetics
Classification: Likely benign. Last evaluated: 2024-11-27. Review status: criteria provided, single submitter. Criteria: ACMG Guidelines, 2015. Collection method: clinical testing. Allele origin: germline.

All of Us Research Program, National Institutes of Health
Classification: Likely benign for Wilson disease. Last evaluated: 2024-02-05. Review status: criteria provided, single submitter. Criteria: ACMG Guidelines, 2015. Collection method: clinical testing. Allele origin: germline. Inheritance: Autosomal recessive inheritance. Observed: 73 variant alleles, 73 heterozygotes.
Comment: This study involves interpretation of variants in research participants for the purpose of population health screening. Participant phenotype was not available at the time of variant classification. Additional details can be found in publication PMID: 35346344, PMCID: PMC8962531

Color Diagnostics, LLC DBA Color Health
Classification: Likely benign for Wilson disease. Last evaluated: 2022-08-05. Review status: criteria provided, single submitter. Criteria: ACMG Guidelines, 2015. Collection method: clinical testing. Allele origin: germline.

Ambry Genetics
Classification: Likely benign for Inborn genetic diseases. Last evaluated: 2022-02-20. Review status: criteria provided, single submitter. Criteria: Ambry Variant Classification Scheme 2023. Collection method: clinical testing. Allele origin: germline.

Genome-Nilou Lab
Classification: Likely benign for Wilson disease. Last evaluated: 2021-08-10. Review status: criteria provided, single submitter. Criteria: ACMG Guidelines, 2015. Collection method: clinical testing. Allele origin: germline. Affected: no.

GeneDx
Classification: Likely benign. Last evaluated: 2019-12-19. Review status: criteria provided, single submitter. Criteria: GeneDx Variant Classification Process June 2021. Collection method: clinical testing. Allele origin: germline. Affected: yes.

Genetic Services Laboratory, University of Chicago
Classification: Uncertain significance for Wilson disease. Last evaluated: 2013-02-08. Review status: criteria provided, single submitter. Criteria: ACMG Guidelines, 2007. Collection method: clinical testing. Allele origin: germline. Inheritance: Autosomal recessive inheritance.

Natera, Inc.
Classification: Likely benign for Wilson disease. Last evaluated: 2020-01-30. Review status: no assertion criteria provided. Collection method: clinical testing. Allele origin: germline. Not counted in ClinVar's aggregate classification.

Clinical Genetics DNA and cytogenetics Diagnostics Lab, Erasmus MC, Erasmus Medical Center
Classification: Likely benign. Review status: no assertion criteria provided. Collection method: clinical testing. Allele origin: germline. Affected: yes. Study: VKGL Data-share Consensus. Not counted in ClinVar's aggregate classification.

Genome Diagnostics Laboratory, Amsterdam University Medical Center
Classification: Likely benign. Review status: no assertion criteria provided. Collection method: clinical testing. Allele origin: germline. Affected: yes. Study: VKGL Data-share Consensus. Not counted in ClinVar's aggregate classification.